The following is an entry in ClinVar:

NM_177438.3(DICER1):c.1064T>C (p.Ile355Thr)

Gene: DICER1 (dicer 1, ribonuclease III; minus strand). Cytogenetic location: 14q32.13.
Variant type: single nucleotide variant.
Coding change: c.1064T>C on transcript NM_177438.3 (MANE Select); coding-DNA position 1064, T replaced by C.
Protein change: p.Ile355Thr; replaces isoleucine 355 with threonine.
Molecular consequence: missense variant. On other transcripts: 5 prime UTR variant (1), non-coding transcript variant (6).
Genome position (GRCh38, 1-based): chr14:95,124,508, A>G on the plus strand (T>C on the coding strand, the complement: DICER1 is on the minus strand). VCF-style: chr14-95124508-A-G. GRCh37 (hg19) VCF-style: chr14-95590845-A-G.
Other names: c.1064T>C, p.Ile355Thr (NM_001195573.1, NM_001271282.3, NM_001291628.2 and 15 more transcripts); c.782T>C, p.Ile261Thr (NM_001395686.1); c.659T>C, p.Ile220Thr (NM_001395687.1, NM_001395688.1, NM_001395689.1 and 3 more transcripts); c.497T>C, p.Ile166Thr (NM_001395691.1); c.-505T>C (NM_001395697.1); short protein forms I166T, I220T, I261T, I355T.
Identifiers: ClinVar variation 3229301 (VCV003229301.1), dbSNP rs2543182480, ClinGen allele CA390887038.
Genomic context (GRCh38, chr14:95,124,508, plus strand): 5'-GGAGTTACAAATTTCAGGTCAAGTGAGGCAGGTGAGAAGTGCTCTTCACATAGTGCATGT[A>G]TTTTCCTTAGGAAAGTGTCTGTAAACAATAAAAATTTCCTGTGCAGCTCCTCTTGCTCAT-3'
Protein context (NP_803187.1, residues 345-365): LLFTDTFLRK[Ile355Thr]HALCEEHFSP

ClinVar aggregate classification (germline): Uncertain significance (1 of 4 stars; one submission).

Conditions:
Hereditary cancer-predisposing syndrome. Also called: Neoplastic Syndromes, Hereditary; Tumor predisposition; Hereditary neoplastic syndrome; Hereditary Cancer Syndrome. Identifiers: Orphanet 140162, MedGen C0027672, MeSH D009386, MONDO:0015356.

Submission:

Ambry Genetics
Classification: Uncertain significance for Hereditary cancer-predisposing syndrome. Last evaluated: 2024-03-09. Review status: criteria provided, single submitter. Criteria: Ambry Variant Classification Scheme 2023. Collection method: clinical testing. Allele origin: germline.
Comment: The p.I355T variant (also known as c.1064T>C), located in coding exon 7 of the DICER1 gene, results from a T to C substitution at nucleotide position 1064. The isoleucine at codon 355 is replaced by threonine, an amino acid with similar properties. This amino acid position is conserved. In addition, the in silico prediction for this alteration is inconclusive. Based on the available evidence, the clinical significance of this alteration remains unclear.